The following is an entry in ClinVar:

ClinVar aggregate classification (germline): Uncertain significance. Review status: criteria provided, multiple submitters, no conflicts (2 of 4 stars). 2 submissions from 2 submitters: Uncertain significance (2). Last evaluated 2023-08-08.

Conditions:
Cardiovascular phenotype. Identifiers: MedGen CN230736.
Capillary malformation-arteriovenous malformation syndrome. Also called: Capillary malformation-arteriovenous malformation. Identifiers: Orphanet 137667, MedGen C1842180, MONDO:0012016.

Submissions (2):

Ambry Genetics
Classification: Uncertain significance for Cardiovascular phenotype. Last evaluated: 2023-08-08. Review status: criteria provided, single submitter. Criteria: Ambry Variant Classification Scheme 2023. Collection method: clinical testing. Allele origin: germline.
Comment: The p.L620P variant (also known as c.1859T>C), located in coding exon 14 of the RASA1 gene, results from a T to C substitution at nucleotide position 1859. The leucine at codon 620 is replaced by proline, an amino acid with similar properties. This amino acid position is highly conserved in available vertebrate species. In addition, this alteration is predicted to be deleterious by in silico analysis. Since supporting evidence is limited at this time, the clinical significance of this alteration remains unclear.

Labcorp Genetics (formerly Invitae), Labcorp
Classification: Uncertain significance for Capillary malformation-arteriovenous malformation syndrome. Last evaluated: 2017-09-26. Review status: criteria provided, single submitter. Criteria: Invitae Variant Classification Sherloc (09022015). Collection method: clinical testing. Allele origin: germline.
Comment: This variant is not present in population databases (ExAC no frequency). This variant has not been reported in the literature in individuals with RASA1-related disease. Algorithms developed to predict the effect of missense changes on protein structure and function do not agree on the potential impact of this missense change (SIFT: "Deleterious"; PolyPhen-2: "Probably Damaging"; Align-GVGD: "Class C0"). This sequence change replaces leucine with proline at codon 620 of the RASA1 protein (p.Leu620Pro). The leucine residue is highly conserved and there is a moderate physicochemical difference between leucine and proline. In summary, the available evidence is currently insufficient to determine the role of this variant in disease. Therefore, it has been classified as a Variant of Uncertain Significance.

NM_002890.3(RASA1):c.1859T>C (p.Leu620Pro)

Genes: CCNH (cyclin H; minus strand), RASA1 (RAS p21 protein activator 1; plus strand). Cytogenetic location: 5q14.3.
Variant type: single nucleotide variant.
Coding change: c.1859T>C on transcript NM_002890.3 (MANE Select); coding-DNA position 1859, T replaced by C.
Protein change: p.Leu620Pro; replaces leucine 620 with proline.
Molecular consequence: missense variant. On other transcripts: intron variant (1).
Genome position (GRCh38, 1-based): chr5:87,374,245, T>C. VCF-style: chr5-87374245-T-C. GRCh37 (hg19) VCF-style: chr5-86670062-T-C.
Other names: c.1328T>C, p.Leu443Pro (NM_022650.3); c.933+20799A>G (NM_001364075.2); short protein forms L620P, L443P.
Identifiers: ClinVar variation 533445 (VCV000533445.11), dbSNP rs1554049169, ClinGen allele CA360374563.